The following is an entry in ClinVar:

NM_000350.3(ABCA4):c.2208C>A (p.Phe736Leu)

Gene: ABCA4 (ATP binding cassette subfamily A member 4; minus strand). Cytogenetic location: 1p22.1.
Variant type: single nucleotide variant.
Coding change: c.2208C>A on transcript NM_000350.3 (MANE Select); coding-DNA position 2208, C replaced by A.
Protein change: p.Phe736Leu; replaces phenylalanine 736 with leucine.
Molecular consequence: missense variant.
Genome position (GRCh38, 1-based): chr1:94,056,775, G>T on the plus strand (C>A on the coding strand, the complement: ABCA4 is on the minus strand). VCF-style: chr1-94056775-G-T. GRCh37 (hg19) VCF-style: chr1-94522331-G-T.
Other names: short protein forms F736L.
Identifiers: ClinVar variation 1435748 (VCV001435748.8), dbSNP rs2101069913, ClinGen allele CA341278018.

ClinVar aggregate classification (germline): Uncertain significance (1 of 4 stars; one submission).

Submission:

Labcorp Genetics (formerly Invitae), Labcorp
Classification: Uncertain significance. Last evaluated: 2021-03-12. Review status: criteria provided, single submitter. Criteria: Invitae Variant Classification Sherloc (09022015). Collection method: clinical testing. Allele origin: germline.
Comment: This sequence change replaces phenylalanine with leucine at codon 736 of the ABCA4 protein (p.Phe736Leu). The phenylalanine residue is highly conserved and there is a small physicochemical difference between phenylalanine and leucine. This variant is not present in population databases (ExAC no frequency). This variant has not been reported in the literature in individuals with ABCA4-related conditions. Advanced modeling of protein sequence and biophysical properties (such as structural, functional, and spatial information, amino acid conservation, physicochemical variation, residue mobility, and thermodynamic stability) performed at Invitae indicates that this missense variant is expected to disrupt ABCA4 protein function. In summary, the available evidence is currently insufficient to determine the role of this variant in disease. Therefore, it has been classified as a Variant of Uncertain Significance.